The following is an entry in ClinVar:

NM_001111125.3(IQSEC2):c.4418C>A (p.Pro1473His)

Gene: IQSEC2 (IQ motif and Sec7 domain ArfGEF 2; minus strand). Cytogenetic location: Xp11.22.
Variant type: single nucleotide variant.
Coding change: c.4418C>A on transcript NM_001111125.3 (MANE Select); coding-DNA position 4418, C replaced by A.
Protein change: p.Pro1473His; replaces proline 1473 with histidine.
Molecular consequence: missense variant. On other transcripts: 3 prime UTR variant (2).
Genome position (GRCh38, 1-based): chrX:53,234,268, G>T on the plus strand (C>A on the coding strand, the complement: IQSEC2 is on the minus strand). VCF-style: chrX-53234268-G-T. GRCh37 (hg19) VCF-style: chrX-53263450-G-T.
Other names: c.*903C>A (NM_001410736.1, NM_015075.2); short protein forms P1473H.
Identifiers: ClinVar variation 3604156 (VCV003604156.2).
Genomic context (GRCh38, chrX:53,234,268, plus strand): 5'-CTCTCCATTCATCAGACCACGGTGCTGATCCGGCTTGGCTTGGCCTTGGGGTTTGCACTG[G>T]GGGGGTTGGCTGTGCCAGGGGGCCCAGAGGCGTGCAGCGGGCCATGGGGGGAGGTGGGTG-3'
Protein context (NP_001104595.1, residues 1463-1483): ASGPPGTANP[Pro1473His]SANPKAKPSR

ClinVar aggregate classification (germline): Uncertain significance (1 of 4 stars; one submission).

Conditions:
Intellectual developmental disorder, X-linked 1. Also called: Atkin Flaitz Patil Smith syndrome; MENTAL RETARDATION, X-LINKED 18; MENTAL RETARDATION, X-LINKED 78; Intellectual disability, X-linked 1. Identifiers: Orphanet 777, MedGen C2931498, MONDO:0010656, OMIM 309530.

gnomAD v4.1: 1 of 1,080,461 alleles (0.000093%); highest among the groups gnomAD compares: South Asian, 0.0025%; no homozygotes.

Submission:

Labcorp Genetics (formerly Invitae), Labcorp
Classification: Uncertain significance for Intellectual developmental disorder, X-linked 1. Last evaluated: 2024-05-20. Review status: criteria provided, single submitter. Criteria: Invitae Variant Classification Sherloc (09022015). Collection method: clinical testing. Allele origin: germline.
Comment: This sequence change replaces proline, which is neutral and non-polar, with histidine, which is basic and polar, at codon 1473 of the IQSEC2 protein (p.Pro1473His). This variant is not present in population databases (gnomAD no frequency). This variant has not been reported in the literature in individuals affected with IQSEC2-related conditions. Advanced modeling of protein sequence and biophysical properties (such as structural, functional, and spatial information, amino acid conservation, physicochemical variation, residue mobility, and thermodynamic stability) performed at Invitae indicates that this missense variant is not expected to disrupt IQSEC2 protein function with a negative predictive value of 95%. In summary, the available evidence is currently insufficient to determine the role of this variant in disease. Therefore, it has been classified as a Variant of Uncertain Significance.